The following is an entry in ClinVar:

ClinVar aggregate classification (germline): Likely benign. Review status: criteria provided, multiple submitters, no conflicts (2 of 4 stars). 2 submissions from 2 submitters: Likely benign (2). Last evaluated 2024-10-26.

Conditions:
3-methylcrotonyl-CoA carboxylase 1 deficiency (MCC1D). Also called: MCC 1 deficiency; 3 Alpha methylcrotonylglycinuria 1; MCCD TYPE 1; METHYLCROTONYLGLYCINURIA TYPE I. Identifiers: Orphanet 6, MedGen CN028786, MONDO:0008861, OMIM 210200.

Allele frequency attached by ClinVar (database versions not stated): ExAC below 0.00001; gnomAD below 0.00001 and 0.00003; TOPMed below 0.00001.
gnomAD v4.1: 25 of 1,601,954 alleles (0.0016%); highest among the groups gnomAD compares: African/African-American, 0.021%; no homozygotes.

Submissions (2):

Labcorp Genetics (formerly Invitae), Labcorp
Classification: Likely benign for 3-methylcrotonyl-CoA carboxylase 1 deficiency. Last evaluated: 2024-10-26. Review status: criteria provided, single submitter. Criteria: Invitae Variant Classification Sherloc (09022015). Collection method: clinical testing. Allele origin: germline.

GeneDx
Classification: Likely benign. Last evaluated: 2017-04-20. Review status: criteria provided, single submitter. Criteria: GeneDx Variant Classification (06012015). Collection method: clinical testing. Allele origin: germline. Affected: yes.
Comment: This variant is considered likely benign or benign based on one or more of the following criteria: it is a conservative change, it occurs at a poorly conserved position in the protein, it is predicted to be benign by multiple in silico algorithms, and/or has population frequency not consistent with disease.

NM_020166.5(MCCC1):c.69G>C (p.Pro23=)

Gene: MCCC1 (methylcrotonyl-CoA carboxylase subunit 1; minus strand). Cytogenetic location: 3q27.1.
Variant type: single nucleotide variant.
Coding change: c.69G>C on transcript NM_020166.5 (MANE Select); coding-DNA position 69, G replaced by C.
Protein change: p.Pro23=; no amino-acid change (proline 23 retained).
Molecular consequence: synonymous variant. On other transcripts: 5 prime UTR variant (2), non-coding transcript variant (1).
Genome position (GRCh38, 1-based): chr3:183,099,372, C>G on the plus strand (G>C on the coding strand, the complement: MCCC1 is on the minus strand). VCF-style: chr3-183099372-C-G. GRCh37 (hg19) VCF-style: chr3-182817160-C-G.
Other names: c.-24G>C (NM_001293273.2); c.-122G>C (NM_001363880.1).
Identifiers: ClinVar variation 508934 (VCV000508934.9), dbSNP rs567116244, ClinGen allele CA2719235.